The following is an entry in ClinVar:

ClinVar aggregate classification (germline): Uncertain significance. Review status: criteria provided, multiple submitters, no conflicts (2 of 4 stars). 2 submissions from 2 submitters: Uncertain significance (2). Last evaluated 2024-02-11.

Conditions:
Nephronophthisis 15 (NPHP15). Identifiers: Orphanet 3156, MedGen C3541853, MONDO:0013917, OMIM 614845.

Allele frequency attached by ClinVar (database versions not stated): TOPMed below 0.00001; gnomAD 0.00001; ExAC 0.00002.
gnomAD v4.1: 5 of 1,614,094 alleles (0.00031%); highest among the groups gnomAD compares: Admixed American, 0.0083%; no homozygotes.

Submissions (2):

Fulgent Genetics
Classification: Uncertain significance for Nephronophthisis 15. Last evaluated: 2024-02-11. Review status: criteria provided, single submitter. Criteria: ACMG Guidelines, 2015. Collection method: clinical testing. Allele origin: germline.

Labcorp Genetics (formerly Invitae), Labcorp
Classification: Uncertain significance for Nephronophthisis 15. Last evaluated: 2022-06-18. Review status: criteria provided, single submitter. Criteria: Invitae Variant Classification Sherloc (09022015). Collection method: clinical testing. Allele origin: germline.
Comment: Algorithms developed to predict the effect of missense changes on protein structure and function are either unavailable or do not agree on the potential impact of this missense change (SIFT: "Tolerated"; PolyPhen-2: "Possibly Damaging"; Align-GVGD: "Class C0"). In summary, the available evidence is currently insufficient to determine the role of this variant in disease. Therefore, it has been classified as a Variant of Uncertain Significance. This sequence change replaces aspartic acid, which is acidic and polar, with asparagine, which is neutral and polar, at codon 333 of the CEP164 protein (p.Asp333Asn). This variant is present in population databases (rs750156991, gnomAD 0.01%). This variant has not been reported in the literature in individuals affected with CEP164-related conditions.

NM_014956.5(CEP164):c.997G>A (p.Asp333Asn)

Gene: CEP164 (centrosomal protein 164; plus strand). Cytogenetic location: 11q23.3.
Variant type: single nucleotide variant.
Coding change: c.997G>A on transcript NM_014956.5 (MANE Select); coding-DNA position 997, G replaced by A.
Protein change: p.Asp333Asn; replaces aspartic acid 333 with asparagine.
Molecular consequence: missense variant.
Genome position (GRCh38, 1-based): chr11:117,371,311, G>A. VCF-style: chr11-117371311-G-A. GRCh37 (hg19) VCF-style: chr11-117242027-G-A.
Other names: c.997G>A, p.Asp333Asn (NM_001271933.2); short protein forms D333N.
Identifiers: ClinVar variation 2074576 (VCV002074576.4), dbSNP rs750156991, ClinGen allele CA6294624.
Genomic context (GRCh38, chr11:117,371,311, plus strand): 5'-AAAGAGGAAAATGAGAAGAGTGAACCTAAGATTTGCAGGAATCTGGTGACCCCCAAGGCA[G>A]ACCCTACAGGCAGTGAGCCTGCCAAAGCCTCTGAAAAGGAAGCACCAGAGGACACAGTAG-3'
Protein context (NP_055771.4, residues 323-343): ICRNLVTPKA[Asp333Asn]PTGSEPAKAS